The following is an entry in ClinVar:

ClinVar aggregate classification (germline): Uncertain significance (1 of 4 stars; one submission).

Submission:

Labcorp Genetics (formerly Invitae), Labcorp
Classification: Uncertain significance. Last evaluated: 2021-08-17. Review status: criteria provided, single submitter. Criteria: Invitae Variant Classification Sherloc (09022015). Collection method: clinical testing. Allele origin: germline.
Comment: In summary, the available evidence is currently insufficient to determine the role of this variant in disease. Therefore, it has been classified as a Variant of Uncertain Significance. Experimental studies and prediction algorithms are not available or were not evaluated, and the functional significance of this variant is currently unknown. This variant has not been reported in the literature in individuals affected with SPPL2A-related conditions. This variant is a gross deletion of the genomic region encompassing exon(s) 1-2 of the SPPL2A gene, which includes the initiator codon. This deletion extends beyond the assayed region for this gene and therefore may encompass additional genes. It is expected to result in an absent or disrupted protein product. However, the current clinical and genetic evidence is not sufficient to establish whether loss-of-function variants in SPPL2A cause disease.

NC_000015.9:g.(?_51041813)_(51057730_?)del

Gene: SPPL2A (signal peptide peptidase like 2A; minus strand). Cytogenetic location: 15q21.2.
Variant type: Deletion.
Identifiers: ClinVar variation 1449978 (VCV001449978.4).